The following is an entry in ClinVar:

NM_006231.4(POLE):c.2686A>G (p.Met896Val)

Gene: POLE (DNA polymerase epsilon, catalytic subunit; minus strand). Cytogenetic location: 12q24.33.
Variant type: single nucleotide variant.
Coding change: c.2686A>G on transcript NM_006231.4 (MANE Select); coding-DNA position 2686, A replaced by G.
Protein change: p.Met896Val; replaces methionine 896 with valine.
Molecular consequence: missense variant.
Genome position (GRCh38, 1-based): chr12:132,664,024, T>C on the plus strand (A>G on the coding strand, the complement: POLE is on the minus strand). VCF-style: chr12-132664024-T-C. GRCh37 (hg19) VCF-style: chr12-133240610-T-C.
Other names: c.2686A>G (NM_006231.2); short protein forms M896V.
Identifiers: ClinVar variation 2751811 (VCV002751811.4), dbSNP rs2542062169, ClinGen allele CA387395079.

ClinVar aggregate classification (germline): Uncertain significance. Review status: criteria provided, multiple submitters, no conflicts (2 of 4 stars). 2 submissions from 2 submitters: Uncertain significance (2). Last evaluated 2025-02-18.

Conditions:
Hereditary cancer-predisposing syndrome. Also called: Neoplastic Syndromes, Hereditary; Hereditary Cancer Syndrome; Tumor predisposition; Hereditary neoplastic syndrome. Identifiers: Orphanet 140162, MedGen C0027672, MeSH D009386, MONDO:0015356.

Allele frequency attached by ClinVar (database versions not stated): gnomAD exomes below 0.00001.
gnomAD v4.1: 2 of 1,614,180 alleles (0.00012%); highest among the groups gnomAD compares: South Asian, 0.0011%; no homozygotes.

Submissions (2):

Labcorp Genetics (formerly Invitae), Labcorp
Classification: Uncertain significance. Last evaluated: 2025-02-18. Review status: criteria provided, single submitter. Criteria: Invitae Variant Classification Sherloc (09022015). Collection method: clinical testing. Allele origin: germline.
Comment: This sequence change replaces methionine, which is neutral and non-polar, with valine, which is neutral and non-polar, at codon 896 of the POLE protein (p.Met896Val). This variant is not present in population databases (gnomAD no frequency). This variant has not been reported in the literature in individuals affected with POLE-related conditions. ClinVar contains an entry for this variant (Variation ID: 2751811). Invitae Evidence Modeling of protein sequence and biophysical properties (such as structural, functional, and spatial information, amino acid conservation, physicochemical variation, residue mobility, and thermodynamic stability) indicates that this missense variant is not expected to disrupt POLE protein function with a negative predictive value of 80%. In summary, the available evidence is currently insufficient to determine the role of this variant in disease. Therefore, it has been classified as a Variant of Uncertain Significance.

Ambry Genetics
Classification: Uncertain significance for Hereditary cancer-predisposing syndrome. Last evaluated: 2023-11-03. Review status: criteria provided, single submitter. Criteria: Ambry Variant Classification Scheme 2023. Collection method: clinical testing. Allele origin: germline.
Comment: The p.M896V variant (also known as c.2686A>G), located in coding exon 23 of the POLE gene, results from an A to G substitution at nucleotide position 2686. The methionine at codon 896 is replaced by valine, an amino acid with highly similar properties. This amino acid position is conserved. In addition, the in silico prediction for this alteration is inconclusive. Since supporting evidence is limited at this time, the clinical significance of this alteration remains unclear.